The following is an entry in ClinVar:

ClinVar aggregate classification (germline): Pathogenic (1 of 4 stars; one submission).

Conditions:
Mucopolysaccharidosis, MPS-III-A (MPS3A). Also called: HEPARAN SULFATE SULFATASE DEFICIENCY; SANFILIPPO SYNDROME A; SULFAMIDASE DEFICIENCY; MPS III A; Mucopolysaccharidosis, type IIIA; mucopolysaccharidosis type 3A. Identifiers: Orphanet 581, Orphanet 79269, MedGen C0086647, MONDO:0009655, OMIM 252900.

Submission:

Labcorp Genetics (formerly Invitae), Labcorp
Classification: Pathogenic for Mucopolysaccharidosis, MPS-III-A. Last evaluated: 2023-06-04. Review status: criteria provided, single submitter. Criteria: Invitae Variant Classification Sherloc (09022015). Collection method: clinical testing. Allele origin: unknown.
Comment: For these reasons, this variant has been classified as Pathogenic. This variant has not been reported in the literature in individuals affected with SGSH-related conditions. A gross deletion of the genomic region encompassing the full coding sequence of the SGSH gene has been identified. Loss-of-function variants in SGSH are known to be pathogenic (PMID: 11182930, 21204211, 22976768). The boundaries of this event are unknown as they extend beyond the assayed region for this gene and therefore may encompass additional genes.

Literature cited by the submitters: PubMed 11182930; PubMed 21204211; PubMed 22976768.

NC_000017.10:g.(?_78184251)_(78194112_?)del

Gene: SGSH (N-sulfoglucosamine sulfohydrolase; minus strand). Cytogenetic location: 17q25.3.
Variant type: Deletion.
Identifiers: ClinVar variation 3242928 (VCV003242928.1).